The following is an entry in ClinVar:

ClinVar aggregate classification (germline): Uncertain significance (1 of 4 stars; one submission).

Conditions:
Inborn genetic diseases. Identifiers: MedGen C0950123, MeSH D030342.

Submission:

Ambry Genetics
Classification: Uncertain significance for Inborn genetic diseases. Last evaluated: 2025-06-21. Review status: criteria provided, single submitter. Criteria: Ambry Variant Classification Scheme 2023. Collection method: clinical testing. Allele origin: germline.
Comment: The p.F374S variant (also known as c.1121T>C), located in coding exon 11 of the DDX41 gene, results from a T to C substitution at nucleotide position 1121. The phenylalanine at codon 374 is replaced by serine, an amino acid with highly dissimilar properties. This amino acid position is conserved. In addition, the in silico prediction for this alteration is inconclusive. Based on the available evidence, the clinical significance of this variant remains unclear.

NM_016222.4(DDX41):c.1121T>C (p.Phe374Ser)

Gene: DDX41 (DEAD-box helicase 41; minus strand). Cytogenetic location: 5q35.3.
Variant type: single nucleotide variant.
Coding change: c.1121T>C on transcript NM_016222.4 (MANE Select); coding-DNA position 1121, T replaced by C.
Protein change: p.Phe374Ser; replaces phenylalanine 374 with serine.
Molecular consequence: missense variant.
Genome position (GRCh38, 1-based): chr5:177,513,462, A>G on the plus strand (T>C on the coding strand, the complement: DDX41 is on the minus strand). VCF-style: chr5-177513462-A-G. GRCh37 (hg19) VCF-style: chr5-176940463-A-G.
Other names: c.743T>C, p.Phe248Ser (NM_001321830.2, NM_001321732.2); short protein forms F248S, F374S.
Identifiers: ClinVar variation 4238736 (VCV004238736.1).